The following is an entry in ClinVar:

NM_017739.4(POMGNT1):c.1547A>C (p.Tyr516Ser)

Genes: POMGNT1 (protein O-linked mannose N-acetylglucosaminyltransferase 1 (beta 1,2-); minus strand), TSPAN1 (tetraspanin 1; plus strand). Cytogenetic location: 1p34.1.
Variant type: single nucleotide variant.
Coding change: c.1547A>C on transcript NM_017739.4 (MANE Select); coding-DNA position 1547, A replaced by C.
Protein change: p.Tyr516Ser; replaces tyrosine 516 with serine.
Molecular consequence: missense variant.
Genome position (GRCh38, 1-based): chr1:46,190,777, T>G on the plus strand (A>C on the coding strand, the complement: POMGNT1 is on the minus strand). VCF-style: chr1-46190777-T-G. GRCh37 (hg19) VCF-style: chr1-46656449-T-G.
Other names: c.1547A>C, p.Tyr516Ser (NM_001243766.2, NM_001410783.1); c.1481A>C, p.Tyr494Ser (NM_001290129.3); c.1118A>C, p.Tyr373Ser (NM_001290130.2); short protein forms Y373S, Y494S, Y516S.
Identifiers: ClinVar variation 2105828 (VCV002105828.1), dbSNP rs746482070, ClinGen allele CA340172723.

ClinVar aggregate classification (germline): Uncertain significance (1 of 4 stars; one submission).

Conditions:
Autosomal recessive limb-girdle muscular dystrophy type 2O. Also called: Limb-Girdle Muscular Dystrophy Type 3C; MUSCULAR DYSTROPHY-DYSTROGLYCANOPATHY (LIMB-GIRDLE), TYPE C, 3; MUSCULAR DYSTROPHY-DYSTROGLYCANOPATHY, LIMB-GIRDLE, POMGNT1-RELATED. Identifiers: Orphanet 206564, MedGen C3150417, MONDO:0013161, OMIM 613157.
Muscular dystrophy-dystroglycanopathy (congenital with impaired intellectual development), type B, 3. Also called: Muscular dystrophy-dystroglycanopathy (congenital with intellectual disability), type B3; MUSCULAR DYSTROPHY, CONGENITAL, POMGNT1-RELATED. Identifiers: MedGen C3150412, MONDO:0013155, OMIM 613151.

Submission:

Labcorp Genetics (formerly Invitae), Labcorp
Classification: Uncertain significance for Autosomal recessive limb-girdle muscular dystrophy type 2O; Muscular dystrophy-dystroglycanopathy (congenital with impaired intellectual development), type B, 3. Last evaluated: 2022-07-15. Review status: criteria provided, single submitter. Criteria: Invitae Variant Classification Sherloc (09022015). Collection method: clinical testing. Allele origin: germline.
Comment: This sequence change replaces tyrosine, which is neutral and polar, with serine, which is neutral and polar, at codon 516 of the POMGNT1 protein (p.Tyr516Ser). This variant is not present in population databases (gnomAD no frequency). This variant has not been reported in the literature in individuals affected with POMGNT1-related conditions. Advanced modeling of protein sequence and biophysical properties (such as structural, functional, and spatial information, amino acid conservation, physicochemical variation, residue mobility, and thermodynamic stability) performed at Invitae indicates that this missense variant is expected to disrupt POMGNT1 protein function. In summary, the available evidence is currently insufficient to determine the role of this variant in disease. Therefore, it has been classified as a Variant of Uncertain Significance.